The following is an entry in ClinVar:

ClinVar aggregate classification (germline): Uncertain significance. Review status: criteria provided, multiple submitters, no conflicts (2 of 4 stars). 2 submissions from 2 submitters: Uncertain significance (2). Last evaluated 2024-10-07.

Conditions:
T-B+ severe combined immunodeficiency due to JAK3 deficiency. Also called: SCID, autosomal recessive, T-negative/B-positive type; SCID, T CELL-NEGATIVE, B CELL-POSITIVE, NK CELL-NEGATIVE. Identifiers: Orphanet 35078, MedGen C1833275, MONDO:0010938, OMIM 600802.

Allele frequency attached by ClinVar (database versions not stated): gnomAD 0.00004 and 0.00005; TOPMed 0.00004; gnomAD exomes 0.00005 and 0.00006; ExAC 0.00008; ESP Exome Variant Server 0.00008; 1000 Genomes Project 0.00040; 1000 Genomes Project 30x 0.00047.
gnomAD v4.1: 81 of 1,614,264 alleles (0.005%); highest among the groups gnomAD compares: Middle Eastern, 0.033%; 1 homozygote.

Submissions (2):

Blueprint Genetics
Classification: Uncertain significance. Last evaluated: 2024-10-07. Review status: criteria provided, single submitter. Criteria: ACMG Guidelines, 2015. Collection method: clinical testing. Allele origin: germline.

Labcorp Genetics (formerly Invitae), Labcorp
Classification: Uncertain significance for T-B+ severe combined immunodeficiency due to JAK3 deficiency. Last evaluated: 2024-07-25. Review status: criteria provided, single submitter. Criteria: Invitae Variant Classification Sherloc (09022015). Collection method: clinical testing. Allele origin: germline.
Comment: This sequence change replaces glutamine, which is neutral and polar, with glutamic acid, which is acidic and polar, at codon 827 of the JAK3 protein (p.Gln827Glu). This variant is present in population databases (rs144683649, gnomAD 0.01%). This variant has not been reported in the literature in individuals affected with JAK3-related conditions. ClinVar contains an entry for this variant (Variation ID: 1058261). Advanced modeling of protein sequence and biophysical properties (such as structural, functional, and spatial information, amino acid conservation, physicochemical variation, residue mobility, and thermodynamic stability) performed at Invitae indicates that this missense variant is not expected to disrupt JAK3 protein function with a negative predictive value of 80%. In summary, the available evidence is currently insufficient to determine the role of this variant in disease. Therefore, it has been classified as a Variant of Uncertain Significance.

NM_000215.4(JAK3):c.2479C>G (p.Gln827Glu)

Gene: JAK3 (Janus kinase 3; minus strand). Cytogenetic location: 19p13.11.
Variant type: single nucleotide variant.
Coding change: c.2479C>G on transcript NM_000215.4 (MANE Select); coding-DNA position 2479, C replaced by G.
Protein change: p.Gln827Glu; replaces glutamine 827 with glutamic acid.
Molecular consequence: missense variant.
Genome position (GRCh38, 1-based): chr19:17,832,801, G>C on the plus strand (C>G on the coding strand, the complement: JAK3 is on the minus strand). VCF-style: chr19-17832801-G-C. GRCh37 (hg19) VCF-style: chr19-17943610-G-C.
Other names: short protein forms Q827E.
Identifiers: ClinVar variation 1058261 (VCV001058261.8), dbSNP rs144683649, ClinGen allele CA9301595.
Genomic context (GRCh38, chr19:17,832,801, plus strand): 5'-TGGATGCTGCCCTGCCCTCTCCAACCCACCCTGGCCCTGCCCACCTTACCTTGCCCAGCT[G>C]TGAGATGTACTTGAGGTGTCTCTCCTCGAAGATCGTGGGGTCTTGGCAGGCATAGAGCTG-3'
Protein context (NP_000206.2, residues 817-837): FEERHLKYIS[Gln827Glu]LGKGNFGSVE